The following is an entry in ClinVar:

ClinVar aggregate classification (germline): Likely benign. Review status: criteria provided, multiple submitters, no conflicts (2 of 4 stars). 5 submissions from 5 submitters: Likely benign (5). Last evaluated 2025-11-01.

Conditions:
Inborn genetic diseases. Identifiers: MedGen C0950123, MeSH D030342.
Charcot-Marie-Tooth disease type 2. Also called: Charcot-Marie-Tooth type 2. Identifiers: Orphanet 64746, MedGen C0270914, MONDO:0018993.

Allele frequency attached by ClinVar (database versions not stated): gnomAD 0.00001 and 0.00004; TOPMed 0.00002; gnomAD exomes 0.00006; ExAC 0.00007; ESP Exome Variant Server 0.00008.
gnomAD v4.1: 64 of 1,614,144 alleles (0.004%); highest among the groups gnomAD compares: Middle Eastern, 0.2%; no homozygotes.

Submissions (5):

CeGaT Center for Human Genetics Tuebingen
Classification: Likely benign. Last evaluated: 2025-11-01. Review status: criteria provided, single submitter. Criteria: CeGaT Center For Human Genetics Tuebingen Variant Classification Criteria Version 2. Collection method: clinical testing. Allele origin: germline. Affected: yes. Observed: 1 variant allele.
Comment: AARS1: BP4, BP7

Labcorp Genetics (formerly Invitae), Labcorp
Classification: Likely benign for Charcot-Marie-Tooth disease type 2. Last evaluated: 2024-11-11. Review status: criteria provided, single submitter. Criteria: Invitae Variant Classification Sherloc (09022015). Collection method: clinical testing. Allele origin: germline.

Ambry Genetics
Classification: Likely benign for Inborn genetic diseases. Last evaluated: 2019-07-11. Review status: criteria provided, single submitter. Criteria: Ambry Variant Classification Scheme 2023. Collection method: clinical testing. Allele origin: germline.

GeneDx
Classification: Likely benign. Last evaluated: 2018-03-08. Review status: criteria provided, single submitter. Criteria: GeneDx Variant Classification (06012015). Collection method: clinical testing. Allele origin: germline. Affected: yes.
Comment: This variant is considered likely benign or benign based on one or more of the following criteria: it is a conservative change, it occurs at a poorly conserved position in the protein, it is predicted to be benign by multiple in silico algorithms, and/or has population frequency not consistent with disease.

Breakthrough Genomics
Classification: Likely benign. Review status: criteria provided, single submitter. Criteria: ACMG Guidelines, 2015. Collection method: not provided. Allele origin: germline. Inheritance: Autosomal recessive inheritance. Affected: yes.

NM_001605.3(AARS1):c.1419C>G (p.Leu473=)

Gene: AARS1 (alanyl-tRNA synthetase 1; minus strand). Cytogenetic location: 16q22.1.
Variant type: single nucleotide variant.
Coding change: c.1419C>G on transcript NM_001605.3 (MANE Select); coding-DNA position 1419, C replaced by G.
Protein change: p.Leu473=; no amino-acid change (leucine 473 retained).
Molecular consequence: synonymous variant.
Genome position (GRCh38, 1-based): chr16:70,265,031, G>C on the plus strand (C>G on the coding strand, the complement: AARS1 is on the minus strand). VCF-style: chr16-70265031-G-C. GRCh37 (hg19) VCF-style: chr16-70298934-G-C.
Identifiers: ClinVar variation 377398 (VCV000377398.18), dbSNP rs375571275, ClinGen allele CA8140821.